The following is an entry in ClinVar:

NM_000439.5(PCSK1):c.-101T>C

Genes: CAST (calpastatin; plus strand), PCSK1 (proprotein convertase subtilisin/kexin type 1; minus strand), LOC101929710 (uncharacterized LOC101929710; plus strand). Cytogenetic location: 5q15.
Variant type: single nucleotide variant.
Coding change: c.-101T>C on transcript NM_000439.5 (MANE Select); 101 bases upstream of the start codon, T replaced by C.
Molecular consequence: 5 prime UTR variant.
Genome position (GRCh38, 1-based): chr5:96,433,143, A>G on the plus strand (T>C on the coding strand, the complement: PCSK1 is on the minus strand). VCF-style: chr5-96433143-A-G. GRCh37 (hg19) VCF-style: chr5-95768847-A-G.
Identifiers: ClinVar variation 354656 (VCV000354656.8), dbSNP rs6230, ClinGen allele CA10625341.

ClinVar aggregate classification (germline): Benign/Likely benign. Review status: criteria provided, multiple submitters, no conflicts (2 of 4 stars). 3 submissions from 3 submitters: Benign (2); Likely benign (1). Last evaluated 2018-11-12.

Conditions:
Obesity due to prohormone convertase I deficiency. Also called: OBESITY AND ENDOCRINOPATHY DUE TO IMPAIRED PROCESSING OF PROHORMONES. Identifiers: Orphanet 71528, MedGen C1833053, MONDO:0010961, OMIM 600955.

Allele frequency attached by ClinVar (database versions not stated): gnomAD exomes 0.18870; gnomAD 0.20956 and 0.21258; TOPMed 0.21107; 1000 Genomes Project 30x 0.24735; 1000 Genomes Project 0.25180.
gnomAD v4.1: 215,666 of 1,125,084 alleles (19%); highest among the groups gnomAD compares: East Asian, 30%; 22,205 homozygotes.

Submissions (3):

GeneDx
Classification: Benign. Last evaluated: 2018-11-12. Review status: criteria provided, single submitter. Criteria: GeneDx Variant Classification Process June 2021. Collection method: clinical testing. Allele origin: germline. Affected: yes.

Illumina Laboratory Services, Illumina
Classification: Benign for Obesity due to prohormone convertase I deficiency. Last evaluated: 2018-01-13. Review status: criteria provided, single submitter. Criteria: ICSL Variant Classification Criteria 13 December 2019. Collection method: clinical testing. Allele origin: germline.
Comment: This variant was observed in the ICSL laboratory as part of a predisposition screen in an ostensibly healthy population. It had not been previously curated by ICSL or reported in the Human Gene Mutation Database (HGMD: prior to June 1st, 2018), and was therefore a candidate for classification through an automated scoring system. Utilizing variant allele frequency, disease prevalence and penetrance estimates, and inheritance mode, an automated score was calculated to assess if this variant is too frequent to cause the disease. Based on the score and internal cut-off values, a variant classified as benign is not then subjected to further curation. The score for this variant resulted in a classification of benign for this disease.

Breakthrough Genomics
Classification: Likely benign. Review status: criteria provided, single submitter. Criteria: ACMG Guidelines, 2015. Collection method: not provided. Allele origin: germline. Inheritance: Autosomal recessive inheritance. Affected: yes.